The following is an entry in ClinVar:

ClinVar aggregate classification (germline): Conflicting classifications of pathogenicity. Review status: criteria provided, conflicting classifications (1 of 4 stars). 7 submissions from 7 submitters: Pathogenic (5); Likely pathogenic (1); Uncertain significance (1). Last evaluated 2024-10-11.

Conditions:
Ichthyosis vulgaris. Also called: Dominant ichthyosis vulgaris; ICHTHYOSIS SIMPLEX. Identifiers: MedGen C0079584, MONDO:0024304, OMIM 146700.
Dermatitis, atopic, 2. Identifiers: MedGen C1853965, MONDO:0011596, OMIM 605803.

Allele frequency attached by ClinVar (database versions not stated): gnomAD 0.00006; TOPMed 0.00007.
gnomAD v4.1: 48 of 1,613,890 alleles (0.003%); highest among the groups gnomAD compares: East Asian, 0.098%; 1 homozygote.

Submissions (7):

Victorian Clinical Genetics Services, Murdoch Childrens Research Institute
Classification: Pathogenic for Ichthyosis vulgaris. Last evaluated: 2024-10-11. Review status: criteria provided, single submitter. Criteria: ACMG Guidelines, 2015. Collection method: clinical testing. Allele origin: germline. Affected: yes.
Comment: Based on the classification scheme VCGS_Germline_v1.3.5, this variant is classified as Pathogenic. Following criteria are met: 0102 - Loss of function is a known mechanism of disease in this gene and is associated with ichthyosis vulgaris (MIM#146700). (I) 0108 - This gene is associated with both recessive and dominant disease. Biallelic truncating variants tend to result in a more severe condition (PMIDs: 17291859, 30681730). (I) 0112 - The condition associated with this gene has incomplete penetrance. Heterozygous carriers are more likely to be asymptomatic than individuals with biallelic mutations (PMIDs: 17291859, 30681730). (I) 0204 - Variant is predicted to result in a truncated protein (premature termination codon is NOT located at least 54 nucleotides upstream of the final exon-exon junction) with at least 1/3 of the protein sequence affected (DECIPHER). (SP) 0251 - This variant is heterozygous. (I) 0304 - Variant is present in gnomAD (v4) <0.01 (47 heterozygotes, 1 homozygote). (SP) 0600 - Variant causing truncation results in the loss of downstream annotated filaggrin repeats (DECIPHER). (I) 0701 - Other nonsense NMD-escape variants comparable to the one identified in this case have very strong previous evidence for pathogenicity (DECIPHER). (SP) 0801 - This variant has strong previous evidence of pathogenicity in unrelated individuals. This variant has been classified as pathogenic three times in ClinVar by clinical laboratories. This variant has been observed in several individuals with ichthyosis in both compound heterozygote and heterozygote states (PMIDs: 28407221, 32252685). (SP) 1208 - Inheritance information for this variant is not currently available in this individual. (I) Legend: (SP) - Supporting pathogenic, (I) - Information, (SB) - Supporting benign

GeneDx
Classification: Pathogenic. Last evaluated: 2024-08-21. Review status: criteria provided, single submitter. Criteria: GeneDx Variant Classification Process June 2021. Collection method: clinical testing. Allele origin: germline. Affected: yes.
Comment: Nonsense variant in the C-terminus predicted to result in protein truncation, as the last 1760 amino acids are lost, and other loss-of-function variants have been reported downstream in the HGMD (HGMD).; The S1302X variant in the FLG gene has been reported previously in association with atopic dermatitis among individuals of Singaporean Chinese descent; however this variant was also present in control subjects (PMID: 21428977); This variant is associated with the following publications: (PMID: 29056476, 21326297, 25506102, 30076350, 16444271, 32252685, 21428977, 36662455)

Blueprint Genetics
Classification: Uncertain significance. Last evaluated: 2023-11-29. Review status: criteria provided, single submitter. Criteria: ACMG Guidelines, 2015. Collection method: clinical testing. Allele origin: germline.

Genome-Nilou Lab
Classification: Pathogenic for Ichthyosis vulgaris. Last evaluated: 2023-04-11. Review status: criteria provided, single submitter. Criteria: ACMG Guidelines, 2015. Collection method: clinical testing. Allele origin: germline. Affected: no.

Mendelics
Classification: Pathogenic for Ichthyosis vulgaris. Last evaluated: 2022-05-04. Review status: criteria provided, single submitter. Criteria: Mendelics Assertion Criteria 2019. Collection method: clinical testing. Allele origin: germline.

Soonchunhyang University Bucheon Hospital, Soonchunhyang University Medical Center
Classification: Pathogenic for Ichthyosis vulgaris. Last evaluated: 2016-03-18. Review status: criteria provided, single submitter. Criteria: ACMG Guidelines, 2015. Collection method: reference population. Allele origin: germline. Observed: 1 variant allele.

Juno Genomics, Hangzhou Juno Genomics, Inc
Classification: Likely pathogenic for Dermatitis, atopic, 2; Ichthyosis vulgaris. Review status: criteria provided, single submitter. Criteria: ACMG Guidelines, 2015. Collection method: clinical testing. Allele origin: germline.
Comment: Null variant in a gene where loss of function (LOF) is a known mechanism of disease.;The prevalence of the variant in affected individuals is significantly increased compared to the prevalence in controls.;Patient's phenotype or family history is highly specific for a disease with a single genetic etiology.

Literature cited by the submitters: PubMed 17291859 (cited by Victorian Clinical Genetics Services, Murdoch Childrens Research Institute); PubMed 28407221 (cited by Victorian Clinical Genetics Services, Murdoch Childrens Research Institute); PubMed 30681730 (cited by Victorian Clinical Genetics Services, Murdoch Childrens Research Institute); PubMed 32252685 (cited by Victorian Clinical Genetics Services, Murdoch Childrens Research Institute); PubMed 21428977 (cited by Soonchunhyang University Bucheon Hospital, Soonchunhyang University Medical Center).

NM_002016.2(FLG):c.3905C>A (p.Ser1302Ter)

Genes: CCDST (cervical cancer associated DHX9 suppressive transcript; plus strand), FLG (filaggrin; minus strand). Cytogenetic location: 1q21.3.
Variant type: single nucleotide variant.
Coding change: c.3905C>A on transcript NM_002016.2 (MANE Select); coding-DNA position 3905, C replaced by A.
Protein change: p.Ser1302Ter; replaces serine 1302 with a stop codon.
Molecular consequence: nonsense.
Genome position (GRCh38, 1-based): chr1:152,310,981, G>T on the plus strand (C>A on the coding strand, the complement: FLG is on the minus strand). VCF-style: chr1-152310981-G-T. GRCh37 (hg19) VCF-style: chr1-152283457-G-T.
Other names: short protein forms S1302*.
Identifiers: ClinVar variation 225362 (VCV000225362.9), dbSNP rs754812742, ClinGen allele CA1106458.